The following is an entry in ClinVar:

ClinVar aggregate classification (germline): Uncertain significance (1 of 4 stars; one submission).

Submission:

Labcorp Genetics (formerly Invitae), Labcorp
Classification: Uncertain significance. Last evaluated: 2022-07-06. Review status: criteria provided, single submitter. Criteria: Invitae Variant Classification Sherloc (09022015). Collection method: clinical testing. Allele origin: germline.
Comment: Experimental studies and prediction algorithms are not available or were not evaluated, and the functional significance of this variant is currently unknown. This variant, c.1188_1190del, results in the deletion of 1 amino acid(s) of the DHX32 protein (p.Ser397del), but otherwise preserves the integrity of the reading frame. This variant is present in population databases (rs766010296, gnomAD 0.006%). This variant has not been reported in the literature in individuals affected with DHX32-related conditions. In summary, the available evidence is currently insufficient to determine the role of this variant in disease. Therefore, it has been classified as a Variant of Uncertain Significance.

NM_018180.3(DHX32):c.1185TTC[1] (p.Ser397del)

Genes: BCCIP (BRCA2 and CDKN1A interacting protein; plus strand), DHX32 (DEAH-box helicase 32 (putative); minus strand). Cytogenetic location: 10q26.2.
Variant type: Microsatellite.
Coding change: c.1185TTC[1] on transcript NM_018180.3 (MANE Select); one copy of the 3-base unit TTC starting at c.1185; the reference has two copies in a row; one copy, 3 bases deleted.
Protein change: p.Ser397del; deletes serine 397.
Molecular consequence: inframe deletion. On other transcripts: intron variant (1).
Genome position (GRCh38, 1-based): chr10:125,852,545-125,852,547, GAA deleted on the plus strand (TTC on the coding strand, the reverse complement: DHX32 is on the minus strand); deleting any 3 consecutive bases within chr10:125,852,545-125,852,552 gives the same sequence; the position shown is the placement nearest the transcript's 3' end. VCF-style (leftmost placement, unchanged base first): chr10-125852544-TGAA-T. GRCh37 (hg19) VCF-style: chr10-127541113-TGAA-T.
Other names: c.851-575_851-573del (NM_016567.4); short protein forms S397del.
Identifiers: ClinVar variation 1928203 (VCV001928203.4), dbSNP rs766010296, ClinGen allele CA5739256.